The following is an entry in ClinVar:

NM_001114753.3(ENG):c.1686G>T (p.Gln562His)

Genes: ENG (endoglin; minus strand), LOC102723566 (uncharacterized LOC102723566; plus strand). Cytogenetic location: 9q34.11.
Variant type: single nucleotide variant.
Coding change: c.1686G>T on transcript NM_001114753.3 (MANE Select); coding-DNA position 1686, G replaced by T.
Protein change: p.Gln562His; replaces glutamine 562 with histidine.
Molecular consequence: missense variant.
Genome position (GRCh38, 1-based): chr9:127,818,120, C>A on the plus strand (G>T on the coding strand, the complement: ENG is on the minus strand). VCF-style: chr9-127818120-C-A. GRCh37 (hg19) VCF-style: chr9-130580399-C-A.
Other names: c.1686G>T, p.Gln562His (NM_000118.4); c.1140G>T, p.Gln380His (NM_001278138.2); short protein forms Q380H, Q562H.
Identifiers: ClinVar variation 4686740 (VCV004686740.1).

ClinVar aggregate classification (germline): Uncertain significance (1 of 4 stars; one submission).

Submission:

GeneDx
Classification: Uncertain significance. Last evaluated: 2025-07-23. Review status: criteria provided, single submitter. Criteria: GeneDx Variant Classification Process June 2021. Collection method: clinical testing. Allele origin: germline. Affected: yes.
Comment: Not observed at significant frequency in large population cohorts (gnomAD); In silico analysis suggests that this missense variant does not alter protein structure/function; Has not been previously published as pathogenic or benign to our knowledge